The following is an entry in ClinVar:

ClinVar aggregate classification (germline): Uncertain significance (1 of 4 stars; one submission).

Submission:

Labcorp Genetics (formerly Invitae), Labcorp
Classification: Uncertain significance. Last evaluated: 2024-02-24. Review status: criteria provided, single submitter. Criteria: Invitae Variant Classification Sherloc (09022015). Collection method: clinical testing. Allele origin: germline.
Comment: This sequence change replaces serine, which is neutral and polar, with phenylalanine, which is neutral and non-polar, at codon 1717 of the CCDC88A protein (p.Ser1717Phe). This variant is not present in population databases (gnomAD no frequency). This variant has not been reported in the literature in individuals affected with CCDC88A-related conditions. ClinVar contains an entry for this variant (Variation ID: 1492732). An algorithm developed to predict the effect of missense changes on protein structure and function (PolyPhen-2) suggests that this variant is likely to be tolerated. In summary, the available evidence is currently insufficient to determine the role of this variant in disease. Therefore, it has been classified as a Variant of Uncertain Significance.

NM_001365480.1(CCDC88A):c.5153C>T (p.Ser1718Phe)

Gene: CCDC88A (coiled-coil and HOOK domain protein 88A; minus strand). Cytogenetic location: 2p16.1.
Variant type: single nucleotide variant.
Coding change: c.5153C>T on transcript NM_001365480.1 (MANE Select); coding-DNA position 5153, C replaced by T.
Protein change: p.Ser1718Phe; replaces serine 1718 with phenylalanine.
Molecular consequence: missense variant.
Genome position (GRCh38, 1-based): chr2:55,295,995, G>A on the plus strand (C>T on the coding strand, the complement: CCDC88A is on the minus strand). VCF-style: chr2-55295995-G-A. GRCh37 (hg19) VCF-style: chr2-55523131-G-A.
Other names: c.5150C>T, p.Ser1717Phe (NM_001135597.2, NM_001254943.2); c.5069C>T, p.Ser1690Phe (NM_018084.5); short protein forms S1690F, S1717F, S1718F.
Identifiers: ClinVar variation 1492732 (VCV001492732.6), dbSNP rs2104550349, ClinGen allele CA346912089.